The following is an entry in ClinVar:

NM_001127208.3(TET2):c.3223del (p.Asp1075fs)

Genes: TET2 (tet methylcytosine dioxygenase 2; plus strand), TET2-AS1 (TET2 antisense RNA 1; minus strand). Cytogenetic location: 4q24.
Variant type: Deletion.
Coding change: c.3223del on transcript NM_001127208.3 (MANE Select); coding-DNA position 3223, one base deleted (G; older notation c.3223delG).
Protein change: p.Asp1075fs; shifts the reading frame from aspartic acid 1075.
Molecular consequence: frameshift variant.
Genome position (GRCh38, 1-based): chr4:105,237,165, G deleted. VCF-style (leftmost placement, unchanged base first): chr4-105237164-TG-T. GRCh37 (hg19) VCF-style: chr4-106158321-TG-T.
Other names: c.3223delG, p.Asp1075Ilefs (NM_001127208.2); c.3223del, p.Asp1075fs (NM_017628.4); short protein forms D1075fs.
Identifiers: ClinVar variation 1711916 (VCV001711916.2), dbSNP rs2476509177, ClinGen allele CA2580071288.

ClinVar aggregate classification (germline): Uncertain significance (1 of 4 stars; one submission).

Submission:

GeneDx
Classification: Uncertain significance. Last evaluated: 2022-04-19. Review status: criteria provided, single submitter. Criteria: GeneDx Variant Classification Process June 2021. Collection method: clinical testing. Allele origin: germline. Affected: yes.
Comment: Not observed at significant frequency in large population cohorts (gnomAD); Frameshift variant predicted to result in protein truncation or nonsense mediated decay in a gene or region of a gene for which loss of function is not a well-established mechanism of disease; Has not been previously published as pathogenic or benign to our knowledge